The following is an entry in ClinVar:

NM_021738.3(SVIL):c.1575C>G (p.Ser525=)

Gene: SVIL (supervillin; minus strand). Cytogenetic location: 10p11.23.
Variant type: single nucleotide variant.
Coding change: c.1575C>G on transcript NM_021738.3 (MANE Select); coding-DNA position 1575, C replaced by G.
Protein change: p.Ser525=; no amino-acid change (serine 525 retained).
Molecular consequence: synonymous variant. On other transcripts: intron variant (3).
Genome position (GRCh38, 1-based): chr10:29,532,792, G>C on the plus strand (C>G on the coding strand, the complement: SVIL is on the minus strand). VCF-style: chr10-29532792-G-C. GRCh37 (hg19) VCF-style: chr10-29821721-G-C.
Other names: c.909-620C>G (NM_001323599.2); c.828-1504C>G (NM_001323600.1, NM_003174.3).
Identifiers: ClinVar variation 5040471 (VCV005040471.1).

ClinVar aggregate classification (germline): Likely benign (1 of 4 stars; one submission).

Submission:

CeGaT Center for Human Genetics Tuebingen
Classification: Likely benign. Last evaluated: 2026-08-01. Review status: criteria provided, single submitter. Criteria: CeGaT Center For Human Genetics Tuebingen Variant Classification Criteria Version 2. Collection method: clinical testing. Allele origin: germline. Affected: yes. Observed: 1 variant allele.
Comment: SVIL: PM2:Supporting, BP4, BP7